The following is an entry in ClinVar:

ClinVar aggregate classification (germline): Conflicting classifications of pathogenicity. Review status: criteria provided, conflicting classifications (1 of 4 stars). 5 submissions from 5 submitters: Uncertain significance (3); Benign (1); Likely benign (1). Last evaluated 2026-06-05.

Conditions:
Cerebral arteriopathy, autosomal dominant, with subcortical infarcts and leukoencephalopathy, type 1 (CADASIL1). Also called: CADASIL 1; CASIL; Cerebral arteriopathy with subcortical infarcts and leukoencephalopathy 1; DEMENTIA, HEREDITARY MULTIINFARCT TYPE. Identifiers: Orphanet 136, MedGen C4551768, MONDO:0000914, OMIM 125310.
Lateral meningocele syndrome (LMNS). Also called: NOTCH3-Related Lateral Meningocele Syndrome. Identifiers: Orphanet 2789, MedGen C1851710, MONDO:0007537, OMIM 130720.
Myofibromatosis, infantile, 2. Identifiers: Orphanet 2591, MedGen C3809084, MONDO:0014122, OMIM 615293.

Allele frequency attached by ClinVar (database versions not stated): gnomAD exomes 0.00005 and 0.00006; ExAC 0.00007; TOPMed 0.00021; gnomAD 0.00024; 1000 Genomes Project 30x 0.00031; ESP Exome Variant Server 0.00039.
gnomAD v4.1: 107 of 1,612,062 alleles (0.0066%); highest among the groups gnomAD compares: African/African-American, 0.053%; no homozygotes.

Submissions (5):

Women's Health and Genetics/Laboratory Corporation of America, LabCorp
Classification: Uncertain significance. Last evaluated: 2026-06-05. Review status: criteria provided, single submitter. Criteria: LabCorp Variant Classification Summary - May 2015. Collection method: clinical testing. Allele origin: germline.
Comment: Variant summary: NOTCH3 c.2183G>A (p.Arg728His) results in a non-conservative amino acid change in the encoded protein sequence. Algorithms developed to predict the effect of missense changes on protein structure and function are either unavailable or do not agree on the potential impact of this missense change. The variant allele was found at a frequency of 5.8e-05 in 243264 control chromosomes (gnomAD). This frequency is not significantly higher than estimated for disease-causing variants in NOTCH3, allowing no conclusion about variant significance. c.2183G>A has been observed in one individual affected with heritable pulmonary arterial hypertension (Liang_2022). The report does not provide unequivocal conclusions about association of the variant with disease. To our knowledge, no experimental evidence demonstrating an impact on protein function has been reported. A different variant affecting the same codon has been classified as pathogenic by our lab (c.2182C>T, p.Arg728Cys), supporting the critical relevance of codon 728 to NOTCH3 protein function. The following publication have been ascertained in the context of this evaluation (PMID: 35811711). ClinVar contains an entry for this variant (Variation ID: 1384932). Based on the evidence outlined above, the variant was classified as uncertain significance.

CeGaT Center for Human Genetics Tuebingen
Classification: Uncertain significance. Last evaluated: 2026-05-01. Review status: criteria provided, single submitter. Criteria: CeGaT Center For Human Genetics Tuebingen Variant Classification Criteria Version 2. Collection method: clinical testing. Allele origin: germline. Affected: yes. Observed: 2 variant alleles.
Comment: NOTCH3: PM5, BP4

Mayo Clinic Laboratories, Mayo Clinic
Classification: Likely benign. Last evaluated: 2025-05-06. Review status: criteria provided, single submitter. Criteria: ACMG Guidelines, 2015. Collection method: clinical testing. Allele origin: germline. Observed: 2 variant alleles.
Comment: BS2, BP1, BP4_moderate, PP2

Labcorp Genetics (formerly Invitae), Labcorp
Classification: Benign. Last evaluated: 2024-07-08. Review status: criteria provided, single submitter. Criteria: Invitae Variant Classification Sherloc (09022015). Collection method: clinical testing. Allele origin: germline.

Fulgent Genetics
Classification: Uncertain significance for Cerebral arteriopathy, autosomal dominant, with subcortical infarcts and leukoencephalopathy, type 1; Lateral meningocele syndrome; Myofibromatosis, infantile, 2. Last evaluated: 2022-04-01. Review status: criteria provided, single submitter. Criteria: ACMG Guidelines, 2015. Collection method: clinical testing. Allele origin: unknown.

Literature cited by the submitters: PubMed 35811711 (cited by Women's Health and Genetics/Laboratory Corporation of America, LabCorp); PubMed 34047818 (cited by Mayo Clinic Laboratories, Mayo Clinic).

NM_000435.3(NOTCH3):c.2183G>A (p.Arg728His)

Gene: NOTCH3 (notch receptor 3; minus strand). Cytogenetic location: 19p13.12.
Variant type: single nucleotide variant.
Coding change: c.2183G>A on transcript NM_000435.3 (MANE Select); coding-DNA position 2183, G replaced by A.
Protein change: p.Arg728His; replaces arginine 728 with histidine.
Molecular consequence: missense variant.
Genome position (GRCh38, 1-based): chr19:15,185,370, C>T on the plus strand (G>A on the coding strand, the complement: NOTCH3 is on the minus strand). VCF-style: chr19-15185370-C-T. GRCh37 (hg19) VCF-style: chr19-15296181-C-T.
Other names: p.Arg728His; short protein forms R728H.
Identifiers: ClinVar variation 1384932 (VCV001384932.36), dbSNP rs144935367, ClinGen allele CA9263419.